The following is an entry in ClinVar:

ClinVar aggregate classification (germline): Uncertain significance (1 of 4 stars; one submission).

Conditions:
Fanconi anemia complementation group E (FANCE). Also called: FANCE-Related Fanconi Anemia. Identifiers: Orphanet 84, MedGen C3160739, MONDO:0010953, OMIM 600901.

Allele frequency attached by ClinVar (database versions not stated): gnomAD exomes below 0.00001; TOPMed below 0.00001.

Submission:

Labcorp Genetics (formerly Invitae), Labcorp
Classification: Uncertain significance for Fanconi anemia complementation group E. Last evaluated: 2022-04-19. Review status: criteria provided, single submitter. Criteria: Invitae Variant Classification Sherloc (09022015). Collection method: clinical testing. Allele origin: germline.
Comment: This sequence change replaces threonine, which is neutral and polar, with alanine, which is neutral and non-polar, at codon 507 of the FANCE protein (p.Thr507Ala). This variant is not present in population databases (gnomAD no frequency). This variant has not been reported in the literature in individuals affected with FANCE-related conditions. Algorithms developed to predict the effect of missense changes on protein structure and function output the following: SIFT: "Tolerated"; PolyPhen-2: "Benign"; Align-GVGD: "Class C0". The alanine amino acid residue is found in multiple mammalian species, which suggests that this missense change does not adversely affect protein function. In summary, the available evidence is currently insufficient to determine the role of this variant in disease. Therefore, it has been classified as a Variant of Uncertain Significance.

NM_021922.3(FANCE):c.1519A>G (p.Thr507Ala)

Gene: FANCE (FA complementation group E; plus strand). Cytogenetic location: 6p21.31.
Variant type: single nucleotide variant.
Coding change: c.1519A>G on transcript NM_021922.3 (MANE Select); coding-DNA position 1519, A replaced by G.
Protein change: p.Thr507Ala; replaces threonine 507 with alanine.
Molecular consequence: missense variant. On other transcripts: synonymous variant (1).
Genome position (GRCh38, 1-based): chr6:35,466,253, A>G. VCF-style: chr6-35466253-A-G. GRCh37 (hg19) VCF-style: chr6-35434030-A-G.
Other names: c.1326A>G, p.Arg442= (NM_001410876.1); short protein forms T507A.
Identifiers: ClinVar variation 1906498 (VCV001906498.5), dbSNP rs1053784891, ClinGen allele CA137303599.
Genomic context (GRCh38, chr6:35,466,253, plus strand): 5'-ACGGGAGGGATCAGTTGCTGGAGTCCTGACATGATTTTTCCTTCTCCCCAGATCACTGAG[A>G]CCCAGAGGCTGGGCCTGGCTATGGCCCTAGAACCTAACACCACCTTCCTGAGGAAGTCCC-3'
Protein context (NP_068741.1, residues 497-517): MTKYQANITE[Thr507Ala]QRLGLAMALE